The following is an entry in ClinVar:

NM_013372.7(GREM1):c.470A>G (p.Asn157Ser)

Gene: GREM1 (gremlin 1, DAN family BMP antagonist; plus strand). Cytogenetic location: 15q13.3.
Variant type: single nucleotide variant.
Coding change: c.470A>G on transcript NM_013372.7 (MANE Select); coding-DNA position 470, A replaced by G.
Protein change: p.Asn157Ser; replaces asparagine 157 with serine.
Molecular consequence: missense variant.
Genome position (GRCh38, 1-based): chr15:32,731,160, A>G. VCF-style: chr15-32731160-A-G. GRCh37 (hg19) VCF-style: chr15-33023361-A-G.
Other names: c.260A>G, p.Asn87Ser (NM_001191322.2); c.347A>G, p.Asn116Ser (NM_001191323.2); c.470A>G, p.Asn157Ser (NM_001368719.1); short protein forms N116S, N157S, N87S.
Identifiers: ClinVar variation 3522521 (VCV003522521.1).

ClinVar aggregate classification (germline): Uncertain significance (1 of 4 stars; one submission).

Conditions:
Hereditary cancer-predisposing syndrome. Also called: Hereditary Cancer Syndrome; Hereditary neoplastic syndrome; Tumor predisposition; Neoplastic Syndromes, Hereditary. Identifiers: Orphanet 140162, MedGen C0027672, MeSH D009386, MONDO:0015356.

Submission:

Ambry Genetics
Classification: Uncertain significance for Hereditary cancer-predisposing syndrome. Last evaluated: 2024-11-11. Review status: criteria provided, single submitter. Criteria: Ambry Variant Classification Scheme 2023. Collection method: clinical testing. Allele origin: germline.
Comment: The p.N157S variant (also known as c.470A>G), located in coding exon 1 of the GREM1 gene, results from an A to G substitution at nucleotide position 470. The asparagine at codon 157 is replaced by serine, an amino acid with highly similar properties. This amino acid position is conserved. In addition, this alteration is predicted to be tolerated by in silico analysis. Based on the available evidence, the clinical significance of this variant remains unclear.